The following is an entry in ClinVar:

NM_201384.3(PLEC):c.3842A>G (p.Asp1281Gly)

Gene: PLEC (plectin; minus strand). Cytogenetic location: 8q24.3.
Variant type: single nucleotide variant.
Coding change: c.3842A>G on transcript NM_201384.3 (MANE Select); coding-DNA position 3842, A replaced by G.
Protein change: p.Asp1281Gly; replaces aspartic acid 1281 with glycine.
Molecular consequence: missense variant.
Genome position (GRCh38, 1-based): chr8:143,927,080, T>C on the plus strand (A>G on the coding strand, the complement: PLEC is on the minus strand). VCF-style: chr8-143927080-T-C. GRCh37 (hg19) VCF-style: chr8-145001248-T-C.
Other names: c.3923A>G, p.Asp1308Gly (NM_000445.5); c.3800A>G, p.Asp1267Gly (NM_201378.4); c.3776A>G, p.Asp1259Gly (NM_201379.3); c.4253A>G, p.Asp1418Gly (NM_201380.4); c.3746A>G, p.Asp1249Gly (NM_201381.3); c.3842A>G, p.Asp1281Gly (NM_201382.4); c.3854A>G, p.Asp1285Gly (NM_201383.3); short protein forms D1249G, D1259G, D1267G, D1281G, D1285G, D1308G, D1418G.
Identifiers: ClinVar variation 450151 (VCV000450151.2), dbSNP rs782382295, ClinGen allele CA4926879.

ClinVar aggregate classification (germline): Uncertain significance (1 of 4 stars; one submission).

Allele frequency attached by ClinVar (database versions not stated): gnomAD exomes below 0.00001 and 0.00001; ExAC 0.00001.
gnomAD v4.1: 4 of 1,609,654 alleles (0.00025%); highest among the groups gnomAD compares: Non-Finnish European, 0.00025%; no homozygotes.

Submission:

GeneDx
Classification: Uncertain significance. Last evaluated: 2017-06-29. Review status: criteria provided, single submitter. Criteria: GeneDx Variant Classification (06012015). Collection method: clinical testing. Allele origin: germline. Affected: yes.
Comment: A variant of uncertain significance has been identified in the PLEC gene. The D1308G variant has not been published as a pathogenic variant, nor has it been reported as a benign variant to our knowledge. The D1308G variant is not observed at a significant frequency in large population cohorts (Lek et al., 2016; 1000 Genomes Consortium et al., 2015; Exome Variant Server). The D1308G variant is a non-conservative amino acid substitution, which is likely to impact secondary protein structure as these residues differ in polarity, charge, size and/or other properties. This substitution occurs at a position that is conserved across species, and in silico analysis predicts this variant is probably damaging to the protein structure/function. However, missense variants in nearby residues have not been reported in the Human Gene Mutation Database in association with PLEC-related disorders (Stenson et al., 2014). Therefore, based on the currently available information, it is unclear whether this variant is a pathogenic variant or a rare benign variant.